The following is an entry in ClinVar:

NM_000844.4(GRM7):c.572G>A (p.Arg191His)

Gene: GRM7 (glutamate metabotropic receptor 7; plus strand). Cytogenetic location: 3p26.1.
Variant type: single nucleotide variant.
Coding change: c.572G>A on transcript NM_000844.4 (MANE Select); coding-DNA position 572, G replaced by A.
Protein change: p.Arg191His; replaces arginine 191 with histidine.
Molecular consequence: missense variant.
Genome position (GRCh38, 1-based): chr3:7,146,504, G>A. VCF-style: chr3-7146504-G-A. GRCh37 (hg19) VCF-style: chr3-7188191-G-A.
Other names: c.572G>A, p.Arg191His (NM_181874.3); short protein forms R191H.
Identifiers: ClinVar variation 4701016 (VCV004701016.1).

ClinVar aggregate classification (germline): Uncertain significance (1 of 4 stars; one submission).

gnomAD v4.1: 4 of 1,613,932 alleles (0.00025%); highest among the groups gnomAD compares: African/African-American, 0.0013%; no homozygotes.

Submission:

Labcorp Genetics (formerly Invitae), Labcorp
Classification: Uncertain significance. Last evaluated: 2026-01-22. Review status: criteria provided, single submitter. Criteria: Invitae Variant Classification Sherloc (09022015). Collection method: clinical testing. Allele origin: germline.
Comment: This sequence change replaces arginine, which is basic and polar, with histidine, which is basic and polar, at codon 191 of the GRM7 protein (p.Arg191His). This variant is present in population databases (rs377437535, gnomAD 0.0009%). This variant has not been reported in the literature in individuals affected with GRM7-related conditions. Invitae Evidence Modeling of protein sequence and biophysical properties (such as structural, functional, and spatial information, amino acid conservation, physicochemical variation, residue mobility, and thermodynamic stability) indicates that this missense variant is not expected to disrupt GRM7 protein function with a negative predictive value of 80%. In summary, the available evidence is currently insufficient to determine the role of this variant in disease. Therefore, it has been classified as a Variant of Uncertain Significance.